The following is an entry in ClinVar:

NM_017636.4(TRPM4):c.326C>G (p.Thr109Arg)

Gene: TRPM4 (transient receptor potential cation channel subfamily M member 4; plus strand). Cytogenetic location: 19q13.33.
Variant type: single nucleotide variant.
Coding change: c.326C>G on transcript NM_017636.4 (MANE Select); coding-DNA position 326, C replaced by G.
Protein change: p.Thr109Arg; replaces threonine 109 with arginine.
Molecular consequence: missense variant. On other transcripts: intron variant (4).
Genome position (GRCh38, 1-based): chr19:49,167,975, C>G. VCF-style: chr19-49167975-C-G. GRCh37 (hg19) VCF-style: chr19-49671232-C-G.
Other names: c.326C>G, p.Thr109Arg (NM_001195227.2); c.-1105-285C>G (NM_001321282.2); c.268-578C>G (NM_001321281.2); c.-74-285C>G (NM_001321283.2); c.-237-578C>G (NM_001321285.2); short protein forms T109R.
Identifiers: ClinVar variation 2448592 (VCV002448592.2), dbSNP rs1263349825, ClinGen allele CA406790114.

ClinVar aggregate classification (germline): Uncertain significance (1 of 4 stars; one submission).

Conditions:
Cardiovascular phenotype. Identifiers: MedGen CN230736.

Submission:

Ambry Genetics
Classification: Uncertain significance for Cardiovascular phenotype. Last evaluated: 2023-02-16. Review status: criteria provided, single submitter. Criteria: Ambry Variant Classification Scheme 2023. Collection method: clinical testing. Allele origin: germline.
Comment: The p.T109R variant (also known as c.326C>G), located in coding exon 4 of the TRPM4 gene, results from a C to G substitution at nucleotide position 326. The threonine at codon 109 is replaced by arginine, an amino acid with similar properties. This amino acid position is conserved. In addition, this alteration is predicted to be tolerated by in silico analysis. Since supporting evidence is limited at this time, the clinical significance of this alteration remains unclear.